The following is an entry in ClinVar:

NM_001244008.2(KIF1A):c.2072A>G (p.Tyr691Cys)

Gene: KIF1A (kinesin family member 1A; minus strand). Cytogenetic location: 2q37.3.
Variant type: single nucleotide variant.
Coding change: c.2072A>G on transcript NM_001244008.2 (MANE Select); coding-DNA position 2072, A replaced by G.
Protein change: p.Tyr691Cys; replaces tyrosine 691 with cysteine.
Molecular consequence: missense variant.
Genome position (GRCh38, 1-based): chr2:240,762,763, T>C on the plus strand (A>G on the coding strand, the complement: KIF1A is on the minus strand). VCF-style: chr2-240762763-T-C. GRCh37 (hg19) VCF-style: chr2-241702180-T-C.
Other names: c.2072A>G, p.Tyr691Cys (NM_001320705.2, NM_001330289.2, NM_001379638.1); c.2147A>G, p.Tyr716Cys (NM_001330290.2, NM_001379631.1, NM_001379634.1 and 2 more transcripts); c.2045A>G, p.Tyr682Cys (NM_001379632.1, NM_001379633.1, NM_001379636.1 and 10 more transcripts); c.2120A>G, p.Tyr707Cys (NM_001379637.1, NM_001379648.1); short protein forms Y716C, Y707C, Y682C, Y691C.
Identifiers: ClinVar variation 1391344 (VCV001391344.8), dbSNP rs531766047, ClinGen allele CA2208208.
Genomic context (GRCh38, chr2:240,762,763, plus strand): 5'-CCCAGTGACCCCTCACCTTCATCCTCGGGCTCCTCCTCCTCCTCGTTCACCTCCGGGTAG[T>C]ACCTGGAGTCCATCTGCTTCTGCAGAGCCTCCAGCTTGCTCTCATAGTCCTGCAGAAAGC-3'
Protein context (NP_001230937.1, residues 681-701): EALQKQMDSR[Tyr691Cys]YPEVNEEEEE

ClinVar aggregate classification (germline): Uncertain significance (1 of 4 stars; one submission).

Conditions:
Hereditary spastic paraplegia 30. Identifiers: Orphanet 101010, MedGen C5235139, MONDO:0012476.
Neuropathy, hereditary sensory, type 2C. Also called: Hereditary sensory and autonomic neuropathy type IIC; KIF1A-Related HSAN2 (HSAN2C). Identifiers: Orphanet 970, MedGen C3280168, MONDO:0013634, OMIM 614213.
Intellectual disability, autosomal dominant 9 (NESCAVS). Also called: NESCAV SYNDROME; KIF1A-Related Neurodevelopmental Disorder. Identifiers: Orphanet 662367, MedGen C5393830, MONDO:0013656, OMIM 614255.

Allele frequency attached by ClinVar (database versions not stated): gnomAD exomes below 0.00001 and 0.00001; gnomAD 0.00001; ExAC 0.00002; 1000 Genomes Project 0.00020; 1000 Genomes Project 30x 0.00031.
gnomAD v4.1: 4 of 1,601,120 alleles (0.00025%); highest among the groups gnomAD compares: East Asian, 0.0045%; no homozygotes.

Submission:

Labcorp Genetics (formerly Invitae), Labcorp
Classification: Uncertain significance for Hereditary spastic paraplegia 30; Neuropathy, hereditary sensory, type 2C; Intellectual disability, autosomal dominant 9. Last evaluated: 2021-06-25. Review status: criteria provided, single submitter. Criteria: Invitae Variant Classification Sherloc (09022015). Collection method: clinical testing. Allele origin: germline.
Comment: In summary, the available evidence is currently insufficient to determine the role of this variant in disease. Therefore, it has been classified as a Variant of Uncertain Significance. Advanced modeling of protein sequence and biophysical properties (such as structural, functional, and spatial information, amino acid conservation, physicochemical variation, residue mobility, and thermodynamic stability) performed at Invitae indicates that this missense variant is not expected to disrupt KIF1A protein function. This variant has not been reported in the literature in individuals with KIF1A-related conditions. This variant is present in population databases (rs531766047, ExAC 0.03%). This sequence change replaces tyrosine with cysteine at codon 682 of the KIF1A protein (p.Tyr682Cys). The tyrosine residue is highly conserved and there is a large physicochemical difference between tyrosine and cysteine.